The following is an entry in ClinVar:

NM_016042.4(EXOSC3):c.53G>C (p.Arg18Pro)

Gene: EXOSC3 (exosome component 3; minus strand). Cytogenetic location: 9p13.2.
Variant type: single nucleotide variant.
Coding change: c.53G>C on transcript NM_016042.4 (MANE Select); coding-DNA position 53, G replaced by C.
Protein change: p.Arg18Pro; replaces arginine 18 with proline.
Molecular consequence: missense variant.
Genome position (GRCh38, 1-based): chr9:37,784,992, C>G on the plus strand (G>C on the coding strand, the complement: EXOSC3 is on the minus strand). VCF-style: chr9-37784992-C-G. GRCh37 (hg19) VCF-style: chr9-37784989-C-G.
Other names: c.53G>C, p.Arg18Pro (NM_001002269.2); c.53G>C (NM_016042.2); short protein forms R18P.
Identifiers: ClinVar variation 746975 (VCV000746975.19), dbSNP rs145677716, ClinGen allele CA5062863.

ClinVar aggregate classification (germline): Conflicting classifications of pathogenicity. Review status: criteria provided, conflicting classifications (1 of 4 stars). 4 submissions from 4 submitters: Uncertain significance (1); Likely benign (3). Last evaluated 2025-08-01.

Conditions:
Inborn genetic diseases. Identifiers: MedGen C0950123, MeSH D030342.
Pontocerebellar hypoplasia type 1B. Also called: EXOSC3 Pontocerebellar Hypoplasia. Identifiers: Orphanet 2254, MedGen C3553449, MONDO:0013853, OMIM 614678.

Allele frequency attached by ClinVar (database versions not stated): gnomAD 0.00038 and 0.00042; TOPMed 0.00049; 1000 Genomes Project 30x 0.00078; ExAC 0.00090; gnomAD exomes 0.00099; 1000 Genomes Project 0.00100.
gnomAD v4.1: 796 of 1,610,026 alleles (0.049%); highest among the groups gnomAD compares: South Asian, 0.25%; 7 homozygotes.

Submissions (4):

CeGaT Center for Human Genetics Tuebingen
Classification: Likely benign. Last evaluated: 2025-08-01. Review status: criteria provided, single submitter. Criteria: CeGaT Center For Human Genetics Tuebingen Variant Classification Criteria Version 2. Collection method: clinical testing. Allele origin: germline. Affected: yes. Observed: 1 variant allele.
Comment: EXOSC3: BS2

Ambry Genetics
Classification: Likely benign for Inborn genetic diseases. Last evaluated: 2022-05-29. Review status: criteria provided, single submitter. Criteria: Ambry Variant Classification Scheme 2023. Collection method: clinical testing. Allele origin: germline.

Labcorp Genetics (formerly Invitae), Labcorp
Classification: Likely benign for Pontocerebellar hypoplasia, type 1b. Last evaluated: 2019-12-31. Review status: criteria provided, single submitter. Criteria: Invitae Variant Classification Sherloc (09022015). Collection method: clinical testing. Allele origin: germline.

Illumina Laboratory Services, Illumina
Classification: Uncertain significance for Pontocerebellar hypoplasia type 1B. Last evaluated: 2018-01-12. Review status: criteria provided, single submitter. Criteria: ICSL Variant Classification Criteria 13 December 2019. Collection method: clinical testing. Allele origin: germline.